The following is an entry in ClinVar:

ClinVar aggregate classification (germline): Uncertain significance. Review status: criteria provided, multiple submitters, no conflicts (2 of 4 stars). 2 submissions from 2 submitters: Uncertain significance (2). Last evaluated 2025-05-27.

Conditions:
Hereditary cancer-predisposing syndrome. Also called: Tumor predisposition; Neoplastic Syndromes, Hereditary; Hereditary Cancer Syndrome; Hereditary neoplastic syndrome. Identifiers: Orphanet 140162, MedGen C0027672, MeSH D009386, MONDO:0015356.
Hereditary nonpolyposis colorectal neoplasms. Identifiers: MedGen C0009405, MeSH D003123.

Submissions (2):

Labcorp Genetics (formerly Invitae), Labcorp
Classification: Uncertain significance for Hereditary nonpolyposis colorectal neoplasms. Last evaluated: 2025-05-27. Review status: criteria provided, single submitter. Criteria: Invitae Variant Classification Sherloc (09022015). Collection method: clinical testing. Allele origin: germline.
Comment: This sequence change replaces leucine, which is neutral and non-polar, with phenylalanine, which is neutral and non-polar, at codon 1060 of the MSH6 protein (p.Leu1060Phe). This variant is not present in population databases (gnomAD no frequency). This variant has not been reported in the literature in individuals affected with MSH6-related conditions. ClinVar contains an entry for this variant (Variation ID: 1728540). Invitae Evidence Modeling of protein sequence and biophysical properties (such as structural, functional, and spatial information, amino acid conservation, physicochemical variation, residue mobility, and thermodynamic stability) has been performed for this missense variant. However, the output from this modeling did not meet the statistical confidence thresholds required to predict the impact of this variant on MSH6 protein function. In summary, the available evidence is currently insufficient to determine the role of this variant in disease. Therefore, it has been classified as a Variant of Uncertain Significance.

Ambry Genetics
Classification: Uncertain significance for Hereditary cancer-predisposing syndrome. Last evaluated: 2020-06-16. Review status: criteria provided, single submitter. Criteria: Ambry Variant Classification Scheme 2023. Collection method: clinical testing. Allele origin: germline.
Comment: The p.L1060F variant (also known as c.3180A>T), located in coding exon 5 of the MSH6 gene, results from an A to T substitution at nucleotide position 3180. The leucine at codon 1060 is replaced by phenylalanine, an amino acid with highly similar properties. This amino acid position is highly conserved in available vertebrate species. In addition, this alteration is predicted to be deleterious by in silico analysis. Since supporting evidence is limited at this time, the clinical significance of this alteration remains unclear.

NM_000179.3(MSH6):c.3180A>T (p.Leu1060Phe)

Gene: MSH6 (mutS homolog 6; plus strand). Cytogenetic location: 2p16.3.
Variant type: single nucleotide variant.
Coding change: c.3180A>T on transcript NM_000179.3 (MANE Select); coding-DNA position 3180, A replaced by T.
Protein change: p.Leu1060Phe; replaces leucine 1060 with phenylalanine.
Molecular consequence: missense variant.
Genome position (GRCh38, 1-based): chr2:47,803,427, A>T. VCF-style: chr2-47803427-A-T. GRCh37 (hg19) VCF-style: chr2-48030566-A-T.
Other names: c.2790A>T, p.Leu930Phe (NM_001281492.2); c.2274A>T, p.Leu758Phe (NM_001281493.2, NM_001281494.2, NM_001406811.1 and 6 more transcripts); c.3276A>T, p.Leu1092Phe (NM_001406795.1, NM_001406802.1); c.3180A>T, p.Leu1060Phe (NM_001406796.1, NM_001406800.1, NM_001406808.1 and 1 more transcripts); c.2883A>T, p.Leu961Phe (NM_001406797.1, NM_001406801.1, NM_001406805.1 and 10 more transcripts); c.2655A>T, p.Leu885Phe (NM_001406799.1, NM_001406806.1, NM_001406807.1); c.2316A>T, p.Leu772Phe (NM_001406803.1); c.3102A>T, p.Leu1034Phe (NM_001406804.1); and 6 more; short protein forms L1062F, L375F, L885F, L1004F, L758F, L930F, L1060F, L1092F.
Identifiers: ClinVar variation 1728540 (VCV001728540.4), dbSNP rs1553331248, ClinGen allele CA346757827.